The following is an entry in ClinVar:

ClinVar aggregate classification (germline): Uncertain significance (1 of 4 stars; one submission).

Conditions:
Hereditary cancer-predisposing syndrome. Also called: Neoplastic Syndromes, Hereditary; Hereditary Cancer Syndrome; Tumor predisposition; Hereditary neoplastic syndrome. Identifiers: Orphanet 140162, MedGen C0027672, MeSH D009386, MONDO:0015356.

Submission:

Ambry Genetics
Classification: Uncertain significance for Hereditary cancer-predisposing syndrome. Last evaluated: 2025-01-17. Review status: criteria provided, single submitter. Criteria: Ambry Variant Classification Scheme 2023. Collection method: clinical testing. Allele origin: germline.
Comment: The p.N1448H variant (also known as c.4342A>C), located in coding exon 34 of the POLE gene, results from an A to C substitution at nucleotide position 4342. The asparagine at codon 1448 is replaced by histidine, an amino acid with similar properties. This amino acid position is conserved. In addition, this alteration is predicted to be tolerated by in silico analysis. Based on the available evidence, the clinical significance of this variant remains unclear.

NM_006231.4(POLE):c.4342A>C (p.Asn1448His)

Gene: POLE (DNA polymerase epsilon, catalytic subunit; minus strand). Cytogenetic location: 12q24.33.
Variant type: single nucleotide variant.
Coding change: c.4342A>C on transcript NM_006231.4 (MANE Select); coding-DNA position 4342, A replaced by C.
Protein change: p.Asn1448His; replaces asparagine 1448 with histidine.
Molecular consequence: missense variant.
Genome position (GRCh38, 1-based): chr12:132,643,509, T>G on the plus strand (A>C on the coding strand, the complement: POLE is on the minus strand). VCF-style: chr12-132643509-T-G. GRCh37 (hg19) VCF-style: chr12-133220095-T-G.
Other names: short protein forms N1448H.
Identifiers: ClinVar variation 3781563 (VCV003781563.1).